The following is an entry in ClinVar:

ClinVar aggregate classification (germline): Uncertain significance (1 of 4 stars; one submission).

Conditions:
Leigh syndrome (NULS). Also called: Leigh's necrotizing encephalopathy; Leigh's disease; Leigh Syndrome (mtDNA deletion); Leigh Disease; Subacute necrotizing encephalopathy; Necrotizing encephalopathy infantile subacute of Leigh. Identifiers: Orphanet 506, MedGen C2931891, MONDO:0009723, OMIM 256000.

Submission:

Wong Mito Lab, Molecular and Human Genetics, Baylor College of Medicine
Classification: Uncertain significance for Leigh syndrome. Last evaluated: 2019-10-17. Review status: criteria provided, single submitter. Criteria: Modified ACMG Guidelines (Unpublished). Collection method: clinical testing. Allele origin: germline.
Comment: The NC_012920.1:m.3643G>A (YP_003024026.1:p.Val113Ile) variant in MTND1 gene is interpretated to be a Uncertain Significance variant based on the modified ACMG guidelines (unpublished). This variant meets the following evidence codes: PP7

NC_012920.1(MT-ND1):m.3643G>A

Gene: MT-ND1 (mitochondrially encoded NADH dehydrogenase 1; plus strand).
Variant type: single nucleotide variant.
Genome position: chrM-3643-G-A.
Identifiers: ClinVar variation 692381 (VCV000692381.1), dbSNP rs1603219061, ClinGen allele CA414773203.